The following is an entry in ClinVar:

ClinVar aggregate classification (germline): Likely pathogenic (1 of 4 stars; one submission).

Conditions:
PAX3-related disorder. Also called: PAX3-related condition.

Submission:

PreventionGenetics, part of Exact Sciences
Classification: Likely pathogenic for PAX3-related condition. Last evaluated: 2025-03-17. Review status: criteria provided, single submitter. Criteria: ACMG Guidelines, 2015. Collection method: clinical testing. Allele origin: germline.
Comment: The PAX3 c.236C>A variant is predicted to result in the amino acid substitution p.Ser79Tyr. To our knowledge, this variant has not been reported in the literature or in a large population database (gnomAD), indicating this variant is rare. This variant is interpreted as likely pathogenic.

NM_181458.4(PAX3):c.236C>A (p.Ser79Tyr)

Gene: PAX3 (paired box 3; minus strand). Cytogenetic location: 2q36.1.
Variant type: single nucleotide variant.
Coding change: c.236C>A on transcript NM_181458.4 (MANE Select); coding-DNA position 236, C replaced by A.
Protein change: p.Ser79Tyr; replaces serine 79 with tyrosine.
Molecular consequence: missense variant.
Genome position (GRCh38, 1-based): chr2:222,297,063, G>T on the plus strand (C>A on the coding strand, the complement: PAX3 is on the minus strand). VCF-style: chr2-222297063-G-T. GRCh37 (hg19) VCF-style: chr2-223161782-G-T.
Other names: c.236C>A, p.Ser79Tyr (NM_000438.6, NM_001127366.3, NM_013942.5 and 4 more transcripts); short protein forms S79Y.
Identifiers: ClinVar variation 5000372 (VCV005000372.1).